The following is an entry in ClinVar:

NM_001429.4(EP300):c.5729C>T (p.Pro1910Leu)

Gene: EP300 (EP300 lysine acetyltransferase; plus strand). Cytogenetic location: 22q13.2.
Variant type: single nucleotide variant.
Coding change: c.5729C>T on transcript NM_001429.4 (MANE Select); coding-DNA position 5729, C replaced by T.
Protein change: p.Pro1910Leu; replaces proline 1910 with leucine.
Molecular consequence: missense variant.
Genome position (GRCh38, 1-based): chr22:41,177,440, C>T. VCF-style: chr22-41177440-C-T. GRCh37 (hg19) VCF-style: chr22-41573444-C-T.
Other names: c.5651C>T, p.Pro1884Leu (NM_001362843.2); short protein forms P1884L, P1910L.
Identifiers: ClinVar variation 4992407 (VCV004992407.1).
Genomic context (GRCh38, chr22:41,177,440, plus strand): 5'-CTCAAGCTGCTGGCCCTGTGTCCCAGGGTAAGGCAGCAGGCCAGGTGACCCCTCCAACCC[C>T]TCCTCAGACTGCTCAGCCACCCCTTCCAGGGCCCCCACCTGCAGCAGTGGAAATGGCAAT-3'
Protein context (NP_001420.2, residues 1900-1920): KAAGQVTPPT[Pro1910Leu]PQTAQPPLPG

ClinVar aggregate classification (germline): Uncertain significance (1 of 4 stars; one submission).

Conditions:
EP300-related disorder. Also called: EP300-related condition; EP300-related disorders.

gnomAD v4.1: 1 of 1,614,130 alleles (0.000062%); highest among the groups gnomAD compares: Non-Finnish European, 0.000085%; no homozygotes.

Submission:

PreventionGenetics, part of Exact Sciences
Classification: Uncertain significance for EP300-related condition. Last evaluated: 2026-04-08. Review status: criteria provided, single submitter. Criteria: ACMG Guidelines, 2015. Collection method: clinical testing. Allele origin: germline.
Comment: The EP300 c.5729C>T variant is predicted to result in the amino acid substitution p.Pro1910Leu. To our knowledge, this variant has not been reported in the literature or in a large population database (gnomAD), indicating this variant is rare. At this time, the clinical significance of this variant is uncertain due to the absence of conclusive functional and genetic evidence.